The following is an entry in ClinVar:

ClinVar aggregate classification (germline): Uncertain significance. Review status: criteria provided, multiple submitters, no conflicts (2 of 4 stars). 2 submissions from 2 submitters: Uncertain significance (2). Last evaluated 2025-10-01.

Conditions:
RASopathy. Also called: rasopathies; Noonan spectrum disorder. Identifiers: Orphanet 536391, MedGen C5555857, MONDO:0021060.

Allele frequency attached by ClinVar (database versions not stated): gnomAD exomes below 0.00001.

Submissions (2):

Labcorp Genetics (formerly Invitae), Labcorp
Classification: Uncertain significance for RASopathy. Last evaluated: 2025-10-01. Review status: criteria provided, single submitter. Criteria: Invitae Variant Classification Sherloc (09022015). Collection method: clinical testing. Allele origin: germline.
Comment: This sequence change replaces isoleucine, which is neutral and non-polar, with valine, which is neutral and non-polar, at codon 310 of the MAP2K1 protein (p.Ile310Val). This variant is not present in population databases (gnomAD no frequency). This variant has not been reported in the literature in individuals affected with MAP2K1-related conditions. ClinVar contains an entry for this variant (Variation ID: 2645471). Invitae Evidence Modeling of protein sequence and biophysical properties (such as structural, functional, and spatial information, amino acid conservation, physicochemical variation, residue mobility, and thermodynamic stability) has been performed for this missense variant. However, the output from this modeling did not meet the statistical confidence thresholds required to predict the impact of this variant on MAP2K1 protein function. In summary, the available evidence is currently insufficient to determine the role of this variant in disease. Therefore, it has been classified as a Variant of Uncertain Significance.

CeGaT Center for Human Genetics Tuebingen
Classification: Uncertain significance. Last evaluated: 2022-12-01. Review status: criteria provided, single submitter. Criteria: CeGaT Center For Human Genetics Tuebingen Variant Classification Criteria Version 2. Collection method: clinical testing. Allele origin: germline. Affected: yes. Observed: 1 variant allele.
Comment: MAP2K1: PM2, PP2

NM_002755.4(MAP2K1):c.928A>G (p.Ile310Val)

Gene: MAP2K1 (mitogen-activated protein kinase kinase 1; plus strand). Cytogenetic location: 15q22.31.
Variant type: single nucleotide variant.
Coding change: c.928A>G on transcript NM_002755.4 (MANE Select); coding-DNA position 928, A replaced by G.
Protein change: p.Ile310Val; replaces isoleucine 310 with valine.
Molecular consequence: missense variant.
Genome position (GRCh38, 1-based): chr15:66,487,260, A>G. VCF-style: chr15-66487260-A-G. GRCh37 (hg19) VCF-style: chr15-66779598-A-G.
Other names: c.784A>G, p.Ile262Val (NM_001411065.1); short protein forms I262V, I310V.
Identifiers: ClinVar variation 2645471 (VCV002645471.27), dbSNP rs1567026612, ClinGen allele CA392937532.